The following is an entry in ClinVar:

ClinVar aggregate classification (germline): Uncertain significance (1 of 4 stars; one submission).

Submission:

CeGaT Center for Human Genetics Tuebingen
Classification: Uncertain significance. Last evaluated: 2026-07-01. Review status: criteria provided, single submitter. Criteria: CeGaT Center For Human Genetics Tuebingen Variant Classification Criteria Version 2. Collection method: clinical testing. Allele origin: germline. Affected: yes. Observed: 1 variant allele.
Comment: ZFHX4: PM2:Supporting, BP4

NM_024721.5(ZFHX4):c.3495C>T (p.Asn1165=)

Gene: ZFHX4 (zinc finger homeobox 4; plus strand). Cytogenetic location: 8q21.13.
Variant type: single nucleotide variant.
Coding change: c.3495C>T on transcript NM_024721.5 (MANE Select); coding-DNA position 3495, C replaced by T.
Protein change: p.Asn1165=; no amino-acid change (asparagine 1165 retained).
Molecular consequence: synonymous variant.
Genome position (GRCh38, 1-based): chr8:76,842,755, C>T. VCF-style: chr8-76842755-C-T. GRCh37 (hg19) VCF-style: chr8-77754991-C-T.
Other names: c.3417C>T, p.Asn1139= (NM_001410934.1).
Identifiers: ClinVar variation 5040114 (VCV005040114.1).